The following is an entry in ClinVar:

NC_000011.10:g.47333554C>T

Gene: MYBPC3 (myosin binding protein C3; minus strand). Cytogenetic location: 11p11.2.
Variant type: single nucleotide variant.
Genome position: GRCh38 VCF-style: chr11-47333554-C-T. GRCh37 (hg19) VCF-style: chr11-47355105-C-T.
Other names: c.3190+3G>A (LRG_386t1, NM_000256.3).
Identifiers: ClinVar variation 454325 (VCV000454325.12), dbSNP rs536826395, ClinGen allele CA079194.

ClinVar aggregate classification (germline): Uncertain significance. Review status: criteria provided, multiple submitters, no conflicts (2 of 4 stars). 3 submissions from 3 submitters: Uncertain significance (3). Last evaluated 2025-03-09.

Conditions:
Cardiovascular phenotype. Identifiers: MedGen CN230736.
Hypertrophic cardiomyopathy. Also called: HYPERTROPHIC MYOCARDIOPATHY. Identifiers: Orphanet 217569, MedGen C0007194, MeSH D002312, MONDO:0005045, HP:0001639.

Allele frequency attached by ClinVar (database versions not stated): gnomAD exomes below 0.00001; ExAC 0.00001; gnomAD 0.00001 and 0.00002; TOPMed 0.00003; 1000 Genomes Project 30x 0.00016; 1000 Genomes Project 0.00020.
gnomAD v4.1: 4 of 1,599,926 alleles (0.00025%); highest among the groups gnomAD compares: African/African-American, 0.004%; no homozygotes.

Submissions (3):

Labcorp Genetics (formerly Invitae), Labcorp
Classification: Uncertain significance for Hypertrophic cardiomyopathy. Last evaluated: 2025-03-09. Review status: criteria provided, single submitter. Criteria: Invitae Variant Classification Sherloc (09022015). Collection method: clinical testing. Allele origin: germline.
Comment: This sequence change falls in intron 29 of the MYBPC3 gene. It does not directly change the encoded amino acid sequence of the MYBPC3 protein. It affects a nucleotide within the consensus splice site. This variant is present in population databases (rs536826395, gnomAD 0.007%). This variant has been observed in individual(s) with hypertrophic cardiomyopathy (PMID: 26914223). ClinVar contains an entry for this variant (Variation ID: 454325). Variants that disrupt the consensus splice site are a relatively common cause of aberrant splicing (PMID: 17576681, 9536098). Algorithms developed to predict the effect of sequence changes on RNA splicing suggest that this variant is not likely to affect RNA splicing. In summary, the available evidence is currently insufficient to determine the role of this variant in disease. Therefore, it has been classified as a Variant of Uncertain Significance.

All of Us Research Program, National Institutes of Health
Classification: Uncertain significance for Hypertrophic cardiomyopathy. Last evaluated: 2023-08-23. Review status: criteria provided, single submitter. Criteria: ACMG Guidelines, 2015. Collection method: clinical testing. Allele origin: germline. Inheritance: Autosomal dominant inheritance. Observed: 1 variant allele, 1 heterozygote.
Comment: This variant causes a G to A nucleotide substitution at the +3 position of intron 29 of the MYBPC3 gene. Splice site prediction tools predict that this variant may have not a significant impact on RNA splicing. To our knowledge, functional studies have not been reported for this variant. This variant has not been reported in individuals affected with MYBPC3-related disorders in the literature. This variant has been identified in 1/238922 chromosomes in the general population by the Genome Aggregation Database (gnomAD). The available evidence is insufficient to determine the role of this variant in disease conclusively. Therefore, this variant is classified as a Variant of Uncertain Significance.

This study involves interpretation of variants in research participants for the purpose of population health screening. Participant phenotype was not available at the time of variant classification. Additional details can be found in publication PMID: 35346344, PMCID: PMC8962531

Ambry Genetics
Classification: Uncertain significance for Cardiovascular phenotype. Last evaluated: 2023-02-23. Review status: criteria provided, single submitter. Criteria: Ambry Variant Classification Scheme 2023. Collection method: clinical testing. Allele origin: germline.
Comment: The c.3190+3G>A intronic variant results from a G to A substitution 3 nucleotides after coding exon 29 in the MYBPC3 gene. This nucleotide position is not well conserved in available vertebrate species. In silico splice site analysis predicts that this alteration will not have any significant effect on splicing. Since supporting evidence is limited at this time, the clinical significance of this alteration remains unclear.

Literature cited by the submitters: PubMed 26914223 (cited by Labcorp Genetics (formerly Invitae), Labcorp); PubMed 17576681 (cited by Labcorp Genetics (formerly Invitae), Labcorp); PubMed 9536098 (cited by Labcorp Genetics (formerly Invitae), Labcorp).